The following is an entry in ClinVar:

NM_001374736.1(DST):c.13757A>C (p.Asp4586Ala)

Gene: DST (dystonin; minus strand). Cytogenetic location: 6p12.1.
Variant type: single nucleotide variant.
Coding change: c.13757A>C on transcript NM_001374736.1 (MANE Select); coding-DNA position 13757, A replaced by C.
Protein change: p.Asp4586Ala; replaces aspartic acid 4586 with alanine.
Molecular consequence: missense variant.
Genome position (GRCh38, 1-based): chr6:56,569,977, T>G on the plus strand (A>C on the coding strand, the complement: DST is on the minus strand). VCF-style: chr6-56569977-T-G. GRCh37 (hg19) VCF-style: chr6-56434775-T-G.
Other names: c.7400A>C, p.Asp2467Ala (NM_001144769.5); c.6986A>C, p.Asp2329Ala (NM_001144770.2); c.13757A>C, p.Asp4586Ala (NM_001374722.1); c.13124A>C, p.Asp4375Ala (NM_001374729.1); c.6866A>C, p.Asp2289Ala (NM_001374730.1, NM_001386100.1, NM_183380.4); c.13784A>C, p.Asp4595Ala (NM_001374734.1); c.5888A>C, p.Asp1963Ala (NM_015548.5); short protein forms D2329A, D4375A, D4595A, D2289A, D1963A, D2467A, D4586A.
Identifiers: ClinVar variation 1447151 (VCV001447151.6), dbSNP rs373853272, ClinGen allele CA3868163.

ClinVar aggregate classification (germline): Uncertain significance (1 of 4 stars; one submission).

Conditions:
Hereditary sensory and autonomic neuropathy type 6. Also called: HSAN VI; Neuropathy, hereditary sensory and autonomic, type VI. Identifiers: Orphanet 314381, MedGen C3539003, MONDO:0013839, OMIM 614653.
Epidermolysis bullosa simplex 3, localized or generalized intermediate, with BP230 deficiency (EBS3). Also called: Epidermolysis bullosa simplex, autosomal recessive 2; Epidermolysis bullosa simplex due to BP230 deficiency. Identifiers: Orphanet 412181, MedGen C3809470, MONDO:0014180, OMIM 615425.

Allele frequency attached by ClinVar (database versions not stated): ExAC 0.00001; gnomAD 0.00005 and 0.00006; ESP Exome Variant Server 0.00008.
gnomAD v4.1: 13 of 1,602,936 alleles (0.00081%); highest among the groups gnomAD compares: African/African-American, 0.016%; no homozygotes.

Submission:

Labcorp Genetics (formerly Invitae), Labcorp
Classification: Uncertain significance for Epidermolysis bullosa simplex 3, localized or generalized intermediate, with BP230 deficiency; Hereditary sensory and autonomic neuropathy type 6. Last evaluated: 2024-04-16. Review status: criteria provided, single submitter. Criteria: Invitae Variant Classification Sherloc (09022015). Collection method: clinical testing. Allele origin: germline.
Comment: The DST gene has multiple clinically relevant transcripts. This variant occurs in alternate transcript NM_015548.4, and corresponds to NM_001723.5:c.*45540A>C in the primary transcript. This sequence change replaces aspartic acid, which is acidic and polar, with alanine, which is neutral and non-polar, at codon 1963 of the DST protein (p.Asp1963Ala). This variant is present in population databases (rs373853272, gnomAD 0.02%). This variant has not been reported in the literature in individuals affected with DST-related conditions. Experimental studies and prediction algorithms are not available or were not evaluated, and the functional significance of this variant is currently unknown. In summary, the available evidence is currently insufficient to determine the role of this variant in disease. Therefore, it has been classified as a Variant of Uncertain Significance.